The following is an entry in ClinVar:

ClinVar aggregate classification (germline): Uncertain significance. Review status: criteria provided, multiple submitters, no conflicts (2 of 4 stars). 2 submissions from 2 submitters: Uncertain significance (2). Last evaluated 2025-09-24.

Conditions:
BBS9-related disorder. Also called: BBS9-related condition.
Bardet-Biedl syndrome (BBS). Identifiers: Orphanet 110, MedGen C0752166, MONDO:0015229.

Allele frequency attached by ClinVar (database versions not stated): ExAC 0.00001; gnomAD exomes 0.00001.
gnomAD v4.1: 8 of 1,609,650 alleles (0.0005%); no homozygotes.

Submissions (2):

PreventionGenetics, part of Exact Sciences
Classification: Uncertain significance for BBS9-related condition. Last evaluated: 2025-09-24. Review status: criteria provided, single submitter. Criteria: ACMG Guidelines, 2015. Collection method: clinical testing. Allele origin: germline.
Comment: The BBS9 c.1819G>A variant is predicted to result in the amino acid substitution p.Glu607Lys. To our knowledge, this variant has not been reported in the literature. This variant is reported in 0.0093% of alleles in individuals of European (Finnish) descent in gnomAD. At this time, the clinical significance of this variant is uncertain due to the absence of conclusive functional and genetic evidence.

Labcorp Genetics (formerly Invitae), Labcorp
Classification: Uncertain significance for Bardet-Biedl syndrome. Last evaluated: 2021-06-14. Review status: criteria provided, single submitter. Criteria: Invitae Variant Classification Sherloc (09022015). Collection method: clinical testing. Allele origin: germline.
Comment: This sequence change replaces glutamic acid with lysine at codon 607 of the BBS9 protein (p.Glu607Lys). The glutamic acid residue is highly conserved and there is a small physicochemical difference between glutamic acid and lysine. This variant is present in population databases (rs771575427, ExAC 0.02%). This variant has not been reported in the literature in individuals with BBS9-related conditions. Algorithms developed to predict the effect of missense changes on protein structure and function are either unavailable or do not agree on the potential impact of this missense change (SIFT: "Deleterious"; PolyPhen-2: "Possibly Damaging"; Align-GVGD: "Class C0"). In summary, the available evidence is currently insufficient to determine the role of this variant in disease. Therefore, it has been classified as a Variant of Uncertain Significance.

NM_198428.3(BBS9):c.1819G>A (p.Glu607Lys)

Gene: BBS9 (Bardet-Biedl syndrome 9; plus strand). Cytogenetic location: 7p14.3.
Variant type: single nucleotide variant.
Coding change: c.1819G>A on transcript NM_198428.3 (MANE Select); coding-DNA position 1819, G replaced by A.
Protein change: p.Glu607Lys; replaces glutamic acid 607 with lysine.
Molecular consequence: missense variant. On other transcripts: non-coding transcript variant (3).
Genome position (GRCh38, 1-based): chr7:33,383,695, G>A. VCF-style: chr7-33383695-G-A. GRCh37 (hg19) VCF-style: chr7-33423307-G-A.
Other names: c.1819G>A, p.Glu607Lys (NM_001362679.1, NM_001348036.1, NM_001348041.4 and 1 more transcripts); c.1699G>A, p.Glu567Lys (NM_014451.4, NM_001348040.3); c.1819G>A (NM_198428.2); c.1714G>A, p.Glu572Lys (NM_001033604.2); c.1804G>A, p.Glu602Lys (NM_001033605.2); c.1453G>A, p.Glu485Lys (NM_001348037.3, NM_001348045.3, NM_001348046.3); c.1546G>A, p.Glu516Lys (NM_001348038.3); c.1441G>A, p.Glu481Lys (NM_001348039.3); and 2 more; short protein forms E481K, E516K, E567K, E572K, E562K, E485K, E607K, E450K.
Identifiers: ClinVar variation 1513084 (VCV001513084.9), dbSNP rs771575427, ClinGen allele CA4214523.